The following is an entry in ClinVar:

ClinVar aggregate classification (germline): Uncertain significance (1 of 4 stars; one submission).

Allele frequency attached by ClinVar (database versions not stated): gnomAD 0.00001.
gnomAD v4.1: 1 of 1,613,214 alleles (0.000062%); highest among the groups gnomAD compares: Non-Finnish European, 0.000085%; no homozygotes.

Submission:

Labcorp Genetics (formerly Invitae), Labcorp
Classification: Uncertain significance. Last evaluated: 2025-03-22. Review status: criteria provided, single submitter. Criteria: Invitae Variant Classification Sherloc (09022015). Collection method: clinical testing. Allele origin: germline.
Comment: This sequence change replaces glycine, which is neutral and non-polar, with valine, which is neutral and non-polar, at codon 757 of the COL11A1 protein (p.Gly757Val). This variant is not present in population databases (gnomAD no frequency). This variant has not been reported in the literature in individuals affected with COL11A1-related conditions. ClinVar contains an entry for this variant (Variation ID: 1518184). Invitae Evidence Modeling of protein sequence and biophysical properties (such as structural, functional, and spatial information, amino acid conservation, physicochemical variation, residue mobility, and thermodynamic stability) indicates that this missense variant is expected to disrupt COL11A1 protein function with a positive predictive value of 80%. In summary, the available evidence is currently insufficient to determine the role of this variant in disease. Therefore, it has been classified as a Variant of Uncertain Significance.

NM_001854.4(COL11A1):c.2270G>T (p.Gly757Val)

Gene: COL11A1 (collagen type XI alpha 1 chain; minus strand). Cytogenetic location: 1p21.1.
Variant type: single nucleotide variant.
Coding change: c.2270G>T on transcript NM_001854.4 (MANE Select); coding-DNA position 2270, G replaced by T.
Protein change: p.Gly757Val; replaces glycine 757 with valine.
Molecular consequence: missense variant. On other transcripts: non-coding transcript variant (1).
Genome position (GRCh38, 1-based): chr1:102,996,014, C>A on the plus strand (G>T on the coding strand, the complement: COL11A1 is on the minus strand). VCF-style: chr1-102996014-C-A. GRCh37 (hg19) VCF-style: chr1-103461570-C-A.
Other names: c.2153G>T, p.Gly718Val (NM_001190709.2); c.2306G>T, p.Gly769Val (NM_080629.3); c.1922G>T, p.Gly641Val (NM_080630.4); short protein forms G641V, G718V, G757V, G769V.
Identifiers: ClinVar variation 1518184 (VCV001518184.8), dbSNP rs1664589837, ClinGen allele CA341169041.